The following is an entry in ClinVar:

NM_175875.5(SIX5):c.191C>T (p.Pro64Leu)

Genes: SIX5 (SIX homeobox 5; minus strand), DM1-AS (DM1 locus antisense RNA; plus strand), LOC107075317 (origin of replication in DMPK trinucleotide repeat region; plus strand), LOC129929037 (ATAC-STARR-seq lymphoblastoid silent region 10794; plus strand). Cytogenetic location: 19q13.32.
Variant type: single nucleotide variant.
Coding change: c.191C>T on transcript NM_175875.5 (MANE Select); coding-DNA position 191, C replaced by T.
Protein change: p.Pro64Leu; replaces proline 64 with leucine.
Molecular consequence: missense variant.
Genome position (GRCh38, 1-based): chr19:45,768,654, G>A on the plus strand (C>T on the coding strand, the complement: SIX5 is on the minus strand). VCF-style: chr19-45768654-G-A. GRCh37 (hg19) VCF-style: chr19-46271912-G-A.
Other names: short protein forms P64L.
Identifiers: ClinVar variation 1317730 (VCV001317730.9), dbSNP rs1192927373, ClinGen allele CA406424394.

ClinVar aggregate classification (germline): Conflicting classifications of pathogenicity. Review status: criteria provided, conflicting classifications (1 of 4 stars). 6 submissions from 6 submitters: Uncertain significance (5); Likely benign (1). Last evaluated 2025-06-10.

Conditions:
SIX5-related disorder. Also called: SIX5-related condition.
Branchiootorenal syndrome 2 (BOR2). Identifiers: Orphanet 107, MedGen C1970479, MONDO:0012575, OMIM 610896.

Allele frequency attached by ClinVar (database versions not stated): gnomAD 0.00001; TOPMed 0.00003.

Submissions (6):

PreventionGenetics, part of Exact Sciences
Classification: Uncertain significance for SIX5-related condition. Last evaluated: 2025-06-10. Review status: criteria provided, single submitter. Criteria: ACMG Guidelines, 2015. Collection method: clinical testing. Allele origin: germline.
Comment: The SIX5 c.191C>T variant is predicted to result in the amino acid substitution p.Pro64Leu. To our knowledge, this variant has not been reported in the literature or in a large population database (gnomAD), indicating this variant is rare. At this time, the clinical significance of this variant is uncertain due to the absence of conclusive functional and genetic evidence.

Labcorp Genetics (formerly Invitae), Labcorp
Classification: Uncertain significance. Last evaluated: 2025-05-01. Review status: criteria provided, single submitter. Criteria: Invitae Variant Classification Sherloc (09022015). Collection method: clinical testing. Allele origin: germline.
Comment: This sequence change replaces proline, which is neutral and non-polar, with leucine, which is neutral and non-polar, at codon 64 of the SIX5 protein (p.Pro64Leu). This variant is not present in population databases (gnomAD no frequency). This variant has not been reported in the literature in individuals affected with SIX5-related conditions. ClinVar contains an entry for this variant (Variation ID: 1317730). Invitae Evidence Modeling of protein sequence and biophysical properties (such as structural, functional, and spatial information, amino acid conservation, physicochemical variation, residue mobility, and thermodynamic stability) indicates that this missense variant is not expected to disrupt SIX5 protein function with a negative predictive value of 80%. In summary, the available evidence is currently insufficient to determine the role of this variant in disease. Therefore, it has been classified as a Variant of Uncertain Significance.

Fulgent Genetics
Classification: Uncertain significance for Branchiootorenal syndrome 2. Last evaluated: 2024-05-28. Review status: criteria provided, single submitter. Criteria: ACMG Guidelines, 2015. Collection method: clinical testing. Allele origin: germline.

Ambry Genetics
Classification: Uncertain significance. Last evaluated: 2024-04-08. Review status: criteria provided, single submitter. Criteria: Ambry Variant Classification Scheme 2023. Collection method: clinical testing. Allele origin: germline.

Genetic Services Laboratory, University of Chicago
Classification: Uncertain significance. Last evaluated: 2023-07-06. Review status: criteria provided, single submitter. Criteria: ACMG Guidelines, 2015. Collection method: clinical testing. Allele origin: germline. Affected: no.
Comment: DNA sequence analysis of the SIX5 gene demonstrated a sequence change, c.191C>T, in exon 1 that results in an amino acid change, p.Pro64Leu. This sequence change does not appear to have been previously described in individuals with SIX5-related disorders and has also not been described in population databases such as ExAC and gnomAD (dbSNP rs1192927373). The p.Pro64Leu change affects a poorly conserved amino acid residue located in a domain of the SIX5 protein that is not known to be functional. The p.Pro64Leu substitution appears to be benign using several in-silico pathogenicity prediction tools (SIFT, PolyPhen2, Align GVGD, REVEL). Due to insufficient evidences and the lack of functional studies, the clinical significance of the p.Pro64Leu change remains unknown at this time.

GeneDx
Classification: Likely benign. Last evaluated: 2020-01-30. Review status: criteria provided, single submitter. Criteria: GeneDx Variant Classification Process June 2021. Collection method: clinical testing. Allele origin: germline. Affected: yes.
Comment: In silico analysis, which includes protein predictors and evolutionary conservation, supports that this variant does not alter protein structure/function; Not observed in large population cohorts (Lek et al., 2016); Has not been previously published as pathogenic or benign to our knowledge